The following is an entry in ClinVar:

ClinVar aggregate classification (germline): Uncertain significance (1 of 4 stars; one submission).

gnomAD v4.1: 1 of 1,551,644 alleles (0.000064%); highest among the groups gnomAD compares: Non-Finnish European, 0.000087%; no homozygotes.

Submission:

Labcorp Genetics (formerly Invitae), Labcorp
Classification: Uncertain significance. Last evaluated: 2022-10-13. Review status: criteria provided, single submitter. Criteria: Invitae Variant Classification Sherloc (09022015). Collection method: clinical testing. Allele origin: germline.
Comment: This variant has not been reported in the literature in individuals affected with CDH23-related conditions. In summary, the available evidence is currently insufficient to determine the role of this variant in disease. Therefore, it has been classified as a Variant of Uncertain Significance. Advanced modeling of protein sequence and biophysical properties (such as structural, functional, and spatial information, amino acid conservation, physicochemical variation, residue mobility, and thermodynamic stability) performed at Invitae indicates that this missense variant is not expected to disrupt CDH23 protein function. ClinVar contains an entry for this variant (Variation ID: 1523324). This variant is not present in population databases (gnomAD no frequency). This sequence change replaces valine, which is neutral and non-polar, with leucine, which is neutral and non-polar, at codon 3217 of the CDH23 protein (p.Val3217Leu).

NM_022124.6(CDH23):c.9649G>T (p.Val3217Leu)

Gene: CDH23 (cadherin related 23; plus strand). Cytogenetic location: 10q22.1.
Variant type: single nucleotide variant.
Coding change: c.9649G>T on transcript NM_022124.6 (MANE Select); coding-DNA position 9649, G replaced by T.
Protein change: p.Val3217Leu; replaces valine 3217 with leucine.
Molecular consequence: missense variant. On other transcripts: intron variant (2).
Genome position (GRCh38, 1-based): chr10:71,813,259, G>T. VCF-style: chr10-71813259-G-T. GRCh37 (hg19) VCF-style: chr10-73573016-G-T.
Other names: c.2929G>T, p.Val977Leu (NM_001171933.1); c.340G>T, p.Val114Leu (NM_001171935.1); c.2913+369G>T (NM_001171934.1); c.324+369G>T (NM_001171936.1); short protein forms V114L, V977L, V3217L.
Identifiers: ClinVar variation 1523324 (VCV001523324.8), dbSNP rs2133009745, ClinGen allele CA377137231.